The following is an entry in ClinVar:

NM_020821.3(VPS13C):c.2672G>A (p.Ser891Asn)

Gene: VPS13C (vacuolar protein sorting 13 homolog C; minus strand). Cytogenetic location: 15q22.2.
Variant type: single nucleotide variant.
Coding change: c.2672G>A on transcript NM_020821.3 (MANE Select); coding-DNA position 2672, G replaced by A.
Protein change: p.Ser891Asn; replaces serine 891 with asparagine.
Molecular consequence: missense variant.
Genome position (GRCh38, 1-based): chr15:61,972,710, C>T on the plus strand (G>A on the coding strand, the complement: VPS13C is on the minus strand). VCF-style: chr15-61972710-C-T. GRCh37 (hg19) VCF-style: chr15-62264909-C-T.
Other names: c.2672G>A, p.Ser891Asn (NM_001018088.3); c.2543G>A, p.Ser848Asn (NM_017684.5, NM_018080.4); short protein forms S891N, S848N.
Identifiers: ClinVar variation 1465556 (VCV001465556.3), dbSNP rs773368257, ClinGen allele CA7596635.

ClinVar aggregate classification (germline): Uncertain significance (1 of 4 stars; one submission).

gnomAD v4.1: 1 of 1,613,202 alleles (0.000062%); highest among the groups gnomAD compares: South Asian, 0.0011%; no homozygotes.

Submission:

Labcorp Genetics (formerly Invitae), Labcorp
Classification: Uncertain significance. Last evaluated: 2021-08-19. Review status: criteria provided, single submitter. Criteria: Invitae Variant Classification Sherloc (09022015). Collection method: clinical testing. Allele origin: germline.
Comment: This sequence change replaces serine with asparagine at codon 891 of the VPS13C protein (p.Ser891Asn). The serine residue is weakly conserved and there is a small physicochemical difference between serine and asparagine. This variant is present in population databases (rs773368257, ExAC 0.006%). This variant has not been reported in the literature in individuals affected with VPS13C-related conditions. Algorithms developed to predict the effect of missense changes on protein structure and function (SIFT, PolyPhen-2, Align-GVGD) all suggest that this variant is likely to be tolerated. In summary, the available evidence is currently insufficient to determine the role of this variant in disease. Therefore, it has been classified as a Variant of Uncertain Significance.